The following is an entry in ClinVar:

ClinVar aggregate classification (germline): Benign (1 of 4 stars; one submission).

Conditions:
Xeroderma pigmentosum, group F (XPF). Also called: XERODERMA PIGMENTOSUM, COMPLEMENTATION GROUP F; XERODERMA PIGMENTOSUM VI; XP, GROUP F; ERCC4-Related Xeroderma Pigmentosum; XERODERMA PIGMENTOSUM, TYPE F; Xeroderma pigmentosum, type 6. Identifiers: MedGen C0268140, MONDO:0010215, OMIM 278760.

Allele frequency attached by ClinVar (database versions not stated): gnomAD 0.00111 and 0.00233; TOPMed 0.00127; gnomAD exomes 0.00197; 1000 Genomes Project 30x 0.00671; 1000 Genomes Project 0.00779.
gnomAD v4.1: 489 of 218,702 alleles (0.22%); highest among the groups gnomAD compares: South Asian, 3.8%; 8 homozygotes.

Submission:

Illumina Laboratory Services, Illumina
Classification: Benign for Xeroderma pigmentosum, group F. Last evaluated: 2018-01-12. Review status: criteria provided, single submitter. Criteria: ICSL Variant Classification Criteria 13 December 2019. Collection method: clinical testing. Allele origin: germline.
Comment: This variant was observed in the ICSL laboratory as part of a predisposition screen in an ostensibly healthy population. It had not been previously curated by ICSL or reported in the Human Gene Mutation Database (HGMD: prior to June 1st, 2018), and was therefore a candidate for classification through an automated scoring system. Utilizing variant allele frequency, disease prevalence and penetrance estimates, and inheritance mode, an automated score was calculated to assess if this variant is too frequent to cause the disease. Based on the score and internal cut-off values, a variant classified as benign is not then subjected to further curation. The score for this variant resulted in a classification of benign for this disease.

NM_005236.3(ERCC4):c.*3327A>G

Gene: ERCC4 (ERCC excision repair 4, endonuclease catalytic subunit; plus strand). Cytogenetic location: 16p13.12.
Variant type: single nucleotide variant.
Coding change: c.*3327A>G on transcript NM_005236.3 (MANE Select); 3327 bases downstream of the stop codon, A replaced by G.
Molecular consequence: 3 prime UTR variant.
Genome position (GRCh38, 1-based): chr16:13,951,674, A>G. VCF-style: chr16-13951674-A-G. GRCh37 (hg19) VCF-style: chr16-14045531-A-G.
Identifiers: ClinVar variation 317870 (VCV000317870.5), dbSNP rs535056033, ClinGen allele CA10646990.